The following is an entry in ClinVar:

ClinVar aggregate classification (germline): Uncertain significance. Review status: criteria provided, multiple submitters, no conflicts (2 of 4 stars). 3 submissions from 3 submitters: Uncertain significance (3). Last evaluated 2025-05-06.

Conditions:
Inborn genetic diseases. Identifiers: MedGen C0950123, MeSH D030342.
Neuronal ceroid lipofuscinosis. Also called: Neuronal Ceroid Lipofuscinoses. Identifiers: Orphanet 216, Orphanet 79263, MedGen C0027877, MONDO:0016295. Disease mechanism: loss of function.

Allele frequency attached by ClinVar (database versions not stated): ExAC 0.00001; gnomAD 0.00004 and 0.00005; TOPMed 0.00005.
gnomAD v4.1: 13 of 1,613,226 alleles (0.00081%); highest among the groups gnomAD compares: Admixed American, 0.012%; no homozygotes.

Submissions (3):

GeneDx
Classification: Uncertain significance. Last evaluated: 2025-05-06. Review status: criteria provided, single submitter. Criteria: GeneDx Variant Classification Process June 2021. Collection method: clinical testing. Allele origin: germline. Affected: yes.
Comment: Not observed at significant frequency in large population cohorts (gnomAD); In silico analysis suggests that this missense variant does not alter protein structure/function; Has not been previously published as pathogenic or benign to our knowledge

Ambry Genetics
Classification: Uncertain significance for Inborn genetic diseases. Last evaluated: 2025-04-03. Review status: criteria provided, single submitter. Criteria: Ambry Variant Classification Scheme 2023. Collection method: clinical testing. Allele origin: germline.

Labcorp Genetics (formerly Invitae), Labcorp
Classification: Uncertain significance for Neuronal ceroid lipofuscinosis. Last evaluated: 2023-12-11. Review status: criteria provided, single submitter. Criteria: Invitae Variant Classification Sherloc (09022015). Collection method: clinical testing. Allele origin: germline.
Comment: This sequence change replaces leucine, which is neutral and non-polar, with valine, which is neutral and non-polar, at codon 169 of the CTSD protein (p.Leu169Val). This variant is present in population databases (rs768487717, gnomAD 0.003%). This variant has not been reported in the literature in individuals affected with CTSD-related conditions. ClinVar contains an entry for this variant (Variation ID: 588664). Advanced modeling of protein sequence and biophysical properties (such as structural, functional, and spatial information, amino acid conservation, physicochemical variation, residue mobility, and thermodynamic stability) performed at Invitae indicates that this missense variant is not expected to disrupt CTSD protein function with a negative predictive value of 80%. In summary, the available evidence is currently insufficient to determine the role of this variant in disease. Therefore, it has been classified as a Variant of Uncertain Significance.

NM_001909.5(CTSD):c.505C>G (p.Leu169Val)

Gene: CTSD (cathepsin D; minus strand). Cytogenetic location: 11p15.5.
Variant type: single nucleotide variant.
Coding change: c.505C>G on transcript NM_001909.5 (MANE Select); coding-DNA position 505, C replaced by G.
Protein change: p.Leu169Val; replaces leucine 169 with valine.
Molecular consequence: missense variant.
Genome position (GRCh38, 1-based): chr11:1,757,523, G>C on the plus strand (C>G on the coding strand, the complement: CTSD is on the minus strand). VCF-style: chr11-1757523-G-C. GRCh37 (hg19) VCF-style: chr11-1778753-G-C.
Other names: short protein forms L169V.
Identifiers: ClinVar variation 588664 (VCV000588664.16), dbSNP rs768487717, ClinGen allele CA5814150.